The following is an entry in ClinVar:

NM_015909.4(NBAS):c.5864T>C (p.Leu1955Ser)

Gene: NBAS (NBAS subunit of NRZ tethering complex; minus strand). Cytogenetic location: 2p24.3.
Variant type: single nucleotide variant.
Coding change: c.5864T>C on transcript NM_015909.4 (MANE Select); coding-DNA position 5864, T replaced by C.
Protein change: p.Leu1955Ser; replaces leucine 1955 with serine.
Molecular consequence: missense variant. On other transcripts: non-coding transcript variant (1).
Genome position (GRCh38, 1-based): chr2:15,238,547, A>G on the plus strand (T>C on the coding strand, the complement: NBAS is on the minus strand). VCF-style: chr2-15238547-A-G. GRCh37 (hg19) VCF-style: chr2-15378671-A-G.
Other names: short protein forms L1955S.
Identifiers: ClinVar variation 431715 (VCV000431715.9), dbSNP rs141793158, ClinGen allele CA1535184.

ClinVar aggregate classification (germline): Uncertain significance. Review status: criteria provided, multiple submitters, no conflicts (2 of 4 stars). 4 submissions from 4 submitters: Uncertain significance (4). Last evaluated 2024-10-17.

Conditions:
Short stature-optic atrophy-Pelger-Huët anomaly syndrome. Also called: Short stature, optic nerve atrophy, and Pelger-Huet anomaly; Short stature-optic atrophy-Pelger-HuC+t anomaly syndrome. Identifiers: Orphanet 391677, MedGen C3541319, MONDO:0013889, OMIM 614800.
Infantile liver failure syndrome 2 (ILFS2). Identifiers: MedGen C3809651, MONDO:0014659, OMIM 616483.

Allele frequency attached by ClinVar (database versions not stated): ExAC 0.00002; gnomAD exomes 0.00002; TOPMed 0.00002; gnomAD 0.00010.
gnomAD v4.1: 27 of 1,614,050 alleles (0.0017%); highest among the groups gnomAD compares: Non-Finnish European, 0.0022%; no homozygotes.

Submissions (4):

Labcorp Genetics (formerly Invitae), Labcorp
Classification: Uncertain significance. Last evaluated: 2024-10-17. Review status: criteria provided, single submitter. Criteria: Invitae Variant Classification Sherloc (09022015). Collection method: clinical testing. Allele origin: germline.
Comment: This sequence change replaces leucine, which is neutral and non-polar, with serine, which is neutral and polar, at codon 1955 of the NBAS protein (p.Leu1955Ser). This variant is present in population databases (rs141793158, gnomAD 0.006%). This variant has not been reported in the literature in individuals affected with NBAS-related conditions. ClinVar contains an entry for this variant (Variation ID: 431715). Invitae Evidence Modeling of protein sequence and biophysical properties (such as structural, functional, and spatial information, amino acid conservation, physicochemical variation, residue mobility, and thermodynamic stability) indicates that this missense variant is not expected to disrupt NBAS protein function with a negative predictive value of 95%. In summary, the available evidence is currently insufficient to determine the role of this variant in disease. Therefore, it has been classified as a Variant of Uncertain Significance.

Fulgent Genetics
Classification: Uncertain significance for Short stature-optic atrophy-Pelger-Huët anomaly syndrome; Infantile liver failure syndrome 2. Last evaluated: 2022-04-11. Review status: criteria provided, single submitter. Criteria: ACMG Guidelines, 2015. Collection method: clinical testing. Allele origin: unknown.

GeneDx
Classification: Uncertain significance. Last evaluated: 2020-08-28. Review status: criteria provided, single submitter. Criteria: GeneDx Variant Classification Process June 2021. Collection method: clinical testing. Allele origin: germline. Affected: yes.
Comment: In silico analysis supports that this missense variant has a deleterious effect on protein structure/function; Has not been previously published as pathogenic or benign to our knowledge; This variant is associated with the following publications: (PMID: 30542205)

TIDEX, University of British Columbia
Classification: Uncertain significance for Short stature-optic atrophy-Pelger-Huët anomaly syndrome. Review status: criteria provided, single submitter. Criteria: ACMG Guidelines, 2015. Collection method: research. Allele origin: paternal. Inheritance: Autosomal recessive inheritance. Affected: yes.